The following is an entry in ClinVar:

ClinVar aggregate classification (germline): Pathogenic/Likely pathogenic. Review status: criteria provided, multiple submitters, no conflicts (2 of 4 stars). 2 submissions from 2 submitters: Pathogenic (1); Likely pathogenic (1). Last evaluated 2021-07-08.

Conditions:
Cone-rod dystrophy 16 (CORD16). Identifiers: MedGen C3281045, MONDO:0013786, OMIM 614500.
Retinitis pigmentosa (RP). Identifiers: Orphanet 791, MedGen C0035334, MeSH D012174, MONDO:0019200, OMIM 268000. Inheritance: Autosomal dominant, autosomal recessive and X linked inheritance.
Bardet-biedl syndrome 21. Identifiers: MedGen C4319932, MONDO:0044308, OMIM 617406.

Submissions (2):

Fulgent Genetics
Classification: Likely pathogenic for Retinitis pigmentosa; Cone-rod dystrophy 16; Bardet-biedl syndrome 21. Last evaluated: 2021-07-08. Review status: criteria provided, single submitter. Criteria: ACMG Guidelines, 2015. Collection method: clinical testing. Allele origin: unknown.

Labcorp Genetics (formerly Invitae), Labcorp
Classification: Pathogenic. Last evaluated: 2020-04-18. Review status: criteria provided, single submitter. Criteria: Invitae Variant Classification Sherloc (09022015). Collection method: clinical testing. Allele origin: germline.
Comment: For these reasons, this variant has been classified as Pathogenic. Loss-of-function variants in C8orf37 are known to be pathogenic (PMID: 22177090, 25802487, 26865426). This variant has not been reported in the literature in individuals with C8orf37-related conditions. This variant is not present in population databases (ExAC no frequency). This sequence change creates a premature translational stop signal (p.Glu60Lysfs*24) in the C8orf37 gene. It is expected to result in an absent or disrupted protein product.

Literature cited by the submitters: PubMed 22177090 (cited by Labcorp Genetics (formerly Invitae), Labcorp); PubMed 25802487 (cited by Labcorp Genetics (formerly Invitae), Labcorp); PubMed 26865426 (cited by Labcorp Genetics (formerly Invitae), Labcorp).

NM_177965.4(CFAP418):c.177del (p.Glu60fs)

Gene: CFAP418 (cilia and flagella associated protein 418; minus strand). Cytogenetic location: 8q22.1.
Variant type: Deletion.
Coding change: c.177del on transcript NM_177965.4 (MANE Select); coding-DNA position 177, one base deleted (A; older notation c.177delA).
Protein change: p.Glu60fs; shifts the reading frame from glutamic acid 60.
Molecular consequence: frameshift variant.
Genome position (GRCh38, 1-based): chr8:95,263,753, T deleted on the plus strand (A on the coding strand, the reverse complement: CFAP418 is on the minus strand); the first of 6 consecutive T bases (chr8:95,263,753-95,263,758); deleting any one gives the same sequence. VCF-style (leftmost placement, unchanged base first): chr8-95263752-CT-C. GRCh37 (hg19) VCF-style: chr8-96275980-CT-C.
Other names: c.177del, p.Glu60fs (NM_001363260.1); short protein forms E60fs.
Identifiers: ClinVar variation 1070350 (VCV001070350.8), dbSNP rs1811931460, ClinGen allele CA2499219454.
Genomic context (GRCh38, chr8:95,263,752, plus strand): 5'-GTTTTTTGTCCAAGTTGGGCTCTTCAAGTATTTCATTAATAAGACTGTCAAGATCATCTT[CT>C]TTTTTAAATGTTTCTGTTGATCTGAAAAGAAGACATACACAAAGAAAACTTACCTGAGGT-3'